The following is an entry in ClinVar:

ClinVar aggregate classification (germline): risk factor (1 of 4 stars; one submission).

Conditions:
Metabolic syndrome, susceptibility to. Identifiers: MedGen C2676079.

Submission:

Laboratory of Immunology and Cellular Biotechnologies, Immanuel Kant Baltic Federal University
Classification: risk factor for Metabolic syndrome, susceptibility to. Last evaluated: 2017-06-01. Review status: criteria provided, single submitter. Criteria: ACMG Guidelines, 2015. Collection method: case-control. Allele origin: germline. Affected: yes and no. Observed: 255 variant alleles, 18 heterozygotes, 237 homozygotes. Clinical features observed: Abdominal obesity.
Comment: A case-control study conducted on 155 patients with metabolic syndrome and 100 healthy controls has shown that haplotype composed of recessive alleles of G894T and C774T polymorphisms in the NOS3 gene is associated with a higher risk for developing metabolic syndrome in the Russian population.

NM_000603.4(NOS3):c.[774T>C;894T>G]

Variant type: Haplotype.
Identifiers: ClinVar variation 496809 (VCV000496809.4).